The following is an entry in ClinVar:

NM_001101426.4(CRPPA):c.508G>A (p.Val170Ile)

Gene: CRPPA (CDP-L-ribitol pyrophosphorylase A; minus strand). Cytogenetic location: 7p21.2.
Variant type: single nucleotide variant.
Coding change: c.508G>A on transcript NM_001101426.4 (MANE Select); coding-DNA position 508, G replaced by A.
Protein change: p.Val170Ile; replaces valine 170 with isoleucine.
Molecular consequence: missense variant. On other transcripts: non-coding transcript variant (1).
Genome position (GRCh38, 1-based): chr7:16,406,087, C>T on the plus strand (G>A on the coding strand, the complement: CRPPA is on the minus strand). VCF-style: chr7-16406087-C-T. GRCh37 (hg19) VCF-style: chr7-16445712-C-T.
Other names: c.508G>A, p.Val170Ile (NM_001101417.4, NM_001368197.1); short protein forms V170I.
Identifiers: ClinVar variation 941435 (VCV000941435.10), dbSNP rs762819997, ClinGen allele CA4169596.

ClinVar aggregate classification (germline): Uncertain significance (1 of 4 stars; one submission).

Conditions:
Autosomal recessive limb-girdle muscular dystrophy type 2U. Also called: Muscular dystrophy-dystroglycanopathy (limb-girdle), type c, 7; MUSCULAR DYSTROPHY, LIMB-GIRDLE, TYPE 2U. Identifiers: Orphanet 352479, MedGen C5190987, MONDO:0014474, OMIM 616052.
Muscular dystrophy-dystroglycanopathy (congenital with brain and eye anomalies), type A, 7. Also called: Congenital muscular dystrophy-dystroglycanopathy with brain and eye anomalies, type A7; WALKER-WARBURG SYNDROME OR MUSCLE-EYE-BRAIN DISEASE, ISPD-RELATED. Identifiers: Orphanet 899, MedGen C3553330, MONDO:0013835, OMIM 614643.

Submission:

Labcorp Genetics (formerly Invitae), Labcorp
Classification: Uncertain significance for Muscular dystrophy-dystroglycanopathy (congenital with brain and eye anomalies), type A, 7; Autosomal recessive limb-girdle muscular dystrophy type 2U. Last evaluated: 2022-02-04. Review status: criteria provided, single submitter. Criteria: Invitae Variant Classification Sherloc (09022015). Collection method: clinical testing. Allele origin: germline.
Comment: This sequence change replaces valine, which is neutral and non-polar, with isoleucine, which is neutral and non-polar, at codon 170 of the ISPD protein (p.Val170Ile). This variant is present in population databases (rs762819997, gnomAD 0.0009%). This variant has not been reported in the literature in individuals affected with ISPD-related conditions. ClinVar contains an entry for this variant (Variation ID: 941435). Algorithms developed to predict the effect of missense changes on protein structure and function are either unavailable or do not agree on the potential impact of this missense change (SIFT: "Tolerated"; PolyPhen-2: "Possibly Damaging"; Align-GVGD: "Class C0"). In summary, the available evidence is currently insufficient to determine the role of this variant in disease. Therefore, it has been classified as a Variant of Uncertain Significance.